The following is an entry in ClinVar:

ClinVar aggregate classification (germline): Likely benign. Review status: criteria provided, multiple submitters, no conflicts (2 of 4 stars). 3 submissions from 3 submitters: Likely benign (3). Last evaluated 2025-01-28.

Conditions:
TSPEAR-related disorder. Also called: TSPEAR-related condition.

Allele frequency attached by ClinVar (database versions not stated): gnomAD 0.00001 and 0.00005; TOPMed 0.00002; 1000 Genomes Project 30x 0.00016; 1000 Genomes Project 0.00020; gnomAD exomes 0.00030; ExAC 0.00034.
gnomAD v4.1: 244 of 1,613,834 alleles (0.015%); highest among the groups gnomAD compares: South Asian, 0.24%; 2 homozygotes.

Submissions (3):

PreventionGenetics, part of Exact Sciences
Classification: Likely benign for TSPEAR-related condition. Last evaluated: 2025-01-28. Review status: criteria provided, single submitter. Criteria: ACMG Guidelines, 2015. Collection method: clinical testing. Allele origin: germline.
Comment: This variant is classified as likely benign based on ACMG/AMP sequence variant interpretation guidelines (Richards et al. 2015 PMID: 25741868, with internal and published modifications).

Labcorp Genetics (formerly Invitae), Labcorp
Classification: Likely benign. Last evaluated: 2024-11-16. Review status: criteria provided, single submitter. Criteria: Invitae Variant Classification Sherloc (09022015). Collection method: clinical testing. Allele origin: germline.

GeneDx
Classification: Likely benign. Last evaluated: 2019-08-21. Review status: criteria provided, single submitter. Criteria: GeneDx Variant Classification Process June 2021. Collection method: clinical testing. Allele origin: germline. Affected: yes.

NM_144991.3(TSPEAR):c.731G>A (p.Arg244Gln)

Gene: TSPEAR (thrombospondin type laminin G domain and EAR repeats; minus strand). Cytogenetic location: 21q22.3.
Variant type: single nucleotide variant.
Coding change: c.731G>A on transcript NM_144991.3 (MANE Select); coding-DNA position 731, G replaced by A.
Protein change: p.Arg244Gln; replaces arginine 244 with glutamine.
Molecular consequence: missense variant.
Genome position (GRCh38, 1-based): chr21:44,529,857, C>T on the plus strand (G>A on the coding strand, the complement: TSPEAR is on the minus strand). VCF-style: chr21-44529857-C-T. GRCh37 (hg19) VCF-style: chr21-45949740-C-T.
Other names: c.527G>A, p.Arg176Gln (NM_001272037.2); short protein forms R176Q, R244Q.
Identifiers: ClinVar variation 740211 (VCV000740211.9), dbSNP rs201853796, ClinGen allele CA10056871.
Genomic context (GRCh38, chr21:44,529,857, plus strand): 5'-CCATAGGGATATTTTAGCACCTCGTTATCTTCTGGCTTCCCCGTGAGAGCCTGCAGGACC[C>T]GTGGGATGGACAGCACCGCCAGCGGGGCGTTCCTGCTGGGACACAGCCTTGGGGTGGCGT-3'
Protein context (NP_659428.2, residues 234-254): NAPLAVLSIP[Arg244Gln]VLQALTGKPE